The following is an entry in ClinVar:

NM_000540.3(RYR1):c.1774C>G (p.His592Asp)

Gene: RYR1 (ryanodine receptor 1; plus strand). Cytogenetic location: 19q13.2.
Variant type: single nucleotide variant.
Coding change: c.1774C>G on transcript NM_000540.3 (MANE Select); coding-DNA position 1774, C replaced by G.
Protein change: p.His592Asp; replaces histidine 592 with aspartic acid.
Molecular consequence: missense variant.
Genome position (GRCh38, 1-based): chr19:38,455,734, C>G. VCF-style: chr19-38455734-C-G. GRCh37 (hg19) VCF-style: chr19-38946374-C-G.
Other names: c.1774C>G, p.His592Asp (NM_001042723.2); short protein forms H592D.
Identifiers: ClinVar variation 2005003 (VCV002005003.4), dbSNP rs2514028271, ClinGen allele CA405691840.

ClinVar aggregate classification (germline): Uncertain significance (1 of 4 stars; one submission).

Conditions:
RYR1-related disorder. Also called: RYR1-related condition; RYR1-related disorders. Identifiers: MedGen CN239331.

Submission:

Labcorp Genetics (formerly Invitae), Labcorp
Classification: Uncertain significance for RYR1-related disorder. Last evaluated: 2022-07-19. Review status: criteria provided, single submitter. Criteria: Invitae Variant Classification Sherloc (09022015). Collection method: clinical testing. Allele origin: germline.
Comment: This variant has not been reported in the literature in individuals affected with RYR1-related conditions. This variant is not present in population databases (gnomAD no frequency). This sequence change replaces histidine, which is basic and polar, with aspartic acid, which is acidic and polar, at codon 592 of the RYR1 protein (p.His592Asp). Advanced modeling of protein sequence and biophysical properties (such as structural, functional, and spatial information, amino acid conservation, physicochemical variation, residue mobility, and thermodynamic stability) performed at Invitae indicates that this missense variant is expected to disrupt RYR1 protein function. In summary, the available evidence is currently insufficient to determine the role of this variant in disease. Therefore, it has been classified as a Variant of Uncertain Significance.